The following is an entry in ClinVar:

NM_006016.6(CD164):c.269A>G (p.Tyr90Cys)

Gene: CD164 (CD164 molecule; minus strand). Cytogenetic location: 6q21.
Variant type: single nucleotide variant.
Coding change: c.269A>G on transcript NM_006016.6 (MANE Select); coding-DNA position 269, A replaced by G.
Protein change: p.Tyr90Cys; replaces tyrosine 90 with cysteine.
Molecular consequence: missense variant.
Genome position (GRCh38, 1-based): chr6:109,377,962, T>C on the plus strand (A>G on the coding strand, the complement: CD164 is on the minus strand). VCF-style: chr6-109377962-T-C. GRCh37 (hg19) VCF-style: chr6-109699165-T-C.
Other names: c.269A>G (NM_006016.4); c.269A>G, p.Tyr90Cys (NM_001142401.3, NM_001142402.3, NM_001142403.3 and 1 more transcripts); c.167A>G, p.Tyr56Cys (NM_001346500.2); short protein forms Y56C, Y90C.
Identifiers: ClinVar variation 3718446 (VCV003718446.3).
Genomic context (GRCh38, chr6:109,377,962, plus strand): 5'-GAACAGAAGTCTGTCGTGTTCCCCACTTGACAATCACTAACTGTTGAGTTATGTGAACAA[T>C]AGCTCTCATCTGTTGGGGGGCAGGGGAAAAGAGACAAACAGCATCAACCACCCATTTGTA-3'
Protein context (NP_006007.2, residues 80-100): CFWIECKDES[Tyr90Cys]CSHNSTVSDC

ClinVar aggregate classification (germline): Uncertain significance. Review status: criteria provided, multiple submitters, no conflicts (2 of 4 stars). 2 submissions from 2 submitters: Uncertain significance (2). Last evaluated 2025-04-01.

Submissions (2):

Ambry Genetics
Classification: Uncertain significance. Last evaluated: 2025-04-01. Review status: criteria provided, single submitter. Criteria: Ambry Variant Classification Scheme 2023. Collection method: clinical testing. Allele origin: germline.

Labcorp Genetics (formerly Invitae), Labcorp
Classification: Uncertain significance. Last evaluated: 2024-07-25. Review status: criteria provided, single submitter. Criteria: Invitae Variant Classification Sherloc (09022015). Collection method: clinical testing. Allele origin: germline.
Comment: This sequence change replaces tyrosine, which is neutral and polar, with cysteine, which is neutral and slightly polar, at codon 90 of the CD164 protein (p.Tyr90Cys). This variant is present in population databases (rs192734268, gnomAD 0.02%). This variant has not been reported in the literature in individuals affected with CD164-related conditions. An algorithm developed to predict the effect of missense changes on protein structure and function (PolyPhen-2) suggests that this variant is likely to be disruptive. In summary, the available evidence is currently insufficient to determine the role of this variant in disease. Therefore, it has been classified as a Variant of Uncertain Significance.